The following is an entry in ClinVar:

ClinVar aggregate classification (germline): Conflicting classifications of pathogenicity. Review status: criteria provided, conflicting classifications (1 of 4 stars). 2 submissions from 2 submitters: Pathogenic (1); Uncertain significance (1). Last evaluated 2025-12-04.

Conditions:
Hereditary cancer-predisposing syndrome. Also called: Hereditary Cancer Syndrome; Neoplastic Syndromes, Hereditary; Tumor predisposition; Hereditary neoplastic syndrome. Identifiers: Orphanet 140162, MedGen C0027672, MeSH D009386, MONDO:0015356.

Allele frequency attached by ClinVar (database versions not stated): gnomAD exomes below 0.00001.
gnomAD v4.1: 2 of 1,614,072 alleles (0.00012%); highest among the groups gnomAD compares: South Asian, 0.0011%; no homozygotes.

Submissions (2):

Ambry Genetics
Classification: Uncertain significance for Hereditary cancer-predisposing syndrome. Last evaluated: 2025-12-04. Review status: criteria provided, single submitter. Criteria: Ambry Variant Classification Scheme 2023. Collection method: clinical testing. Allele origin: germline.
Comment: The p.Q2052* variant (also known as c.6154C>T), located in coding exon 45 of the POLE gene, results from a C to T substitution at nucleotide position 6154. This changes the amino acid from a glutamine to a stop codon within coding exon 45. This alteration is expected to result in loss of function by premature protein truncation or nonsense-mediated mRNA decay. Although biallelic loss of function of POLE has been associated with autosomal recessive POLE deficiency, haploinsufficiency of POLE has not been established as a mechanism of disease for POLE-related polymerase proofreading-associated polyposis (PPAP) and POLE-related CMMRD-like syndrome. Based on the supporting evidence, this variant is expected to be causative of POLE deficiency when present along with a second pathogenic variant on the other allele; however, its clinical significance for PPAP and POLE-related CMMRD-like syndrome is unclear.

Labcorp Genetics (formerly Invitae), Labcorp
Classification: Pathogenic. Last evaluated: 2025-06-24. Review status: criteria provided, single submitter. Criteria: Invitae Variant Classification Sherloc (09022015). Collection method: clinical testing. Allele origin: germline.
Comment: This sequence change creates a premature translational stop signal (p.Gln2052*) in the POLE gene. It is expected to result in an absent or disrupted protein product. Loss-of-function variants in POLE are known to be pathogenic (PMID: 23230001, 25948378, 30503519). This variant is not present in population databases (gnomAD no frequency). This variant has not been reported in the literature in individuals affected with POLE-related conditions. ClinVar contains an entry for this variant (Variation ID: 1024354). Algorithms developed to predict the effect of sequence changes on RNA splicing suggest that this variant may disrupt the consensus splice site. For these reasons, this variant has been classified as Pathogenic.

Literature cited by the submitters: PubMed 23230001 (cited by Labcorp Genetics (formerly Invitae), Labcorp); PubMed 25948378 (cited by Labcorp Genetics (formerly Invitae), Labcorp); PubMed 30503519 (cited by Labcorp Genetics (formerly Invitae), Labcorp).

NM_006231.4(POLE):c.6154C>T (p.Gln2052Ter)

Gene: POLE (DNA polymerase epsilon, catalytic subunit; minus strand). Cytogenetic location: 12q24.33.
Variant type: single nucleotide variant.
Coding change: c.6154C>T on transcript NM_006231.4 (MANE Select); coding-DNA position 6154, C replaced by T.
Protein change: p.Gln2052Ter; replaces glutamine 2052 with a stop codon.
Molecular consequence: nonsense.
Genome position (GRCh38, 1-based): chr12:132,632,491, G>A on the plus strand (C>T on the coding strand, the complement: POLE is on the minus strand). VCF-style: chr12-132632491-G-A. GRCh37 (hg19) VCF-style: chr12-133209077-G-A.
Other names: short protein forms Q2052*.
Identifiers: ClinVar variation 1024354 (VCV001024354.10), dbSNP rs2041953300, ClinGen allele CA387370008.